The following is an entry in ClinVar:

NM_000937.5(POLR2A):c.2928+5G>A

Gene: POLR2A (RNA polymerase II subunit A; plus strand). Cytogenetic location: 17p13.1.
Variant type: single nucleotide variant.
Coding change: c.2928+5G>A on transcript NM_000937.5 (MANE Select); 5 bases into the intron after coding-DNA position 2928, G replaced by A.
Molecular consequence: intron variant.
Genome position (GRCh38, 1-based): chr17:7,503,297, G>A. VCF-style: chr17-7503297-G-A. GRCh37 (hg19) VCF-style: chr17-7406616-G-A.
Identifiers: ClinVar variation 1709615 (VCV001709615.2), dbSNP rs771234724, ClinGen allele CA8349828.

ClinVar aggregate classification (germline): Uncertain significance (1 of 4 stars; one submission).

Conditions:
Neurodevelopmental disorder with hypotonia and variable intellectual and behavioral abnormalities. Identifiers: MedGen C5231423, MONDO:0032829, OMIM 618603.

Allele frequency attached by ClinVar (database versions not stated): ExAC 0.00002; TOPMed 0.00003.

Submission:

MGZ Medical Genetics Center
Classification: Uncertain significance for Neurodevelopmental disorder with hypotonia and variable intellectual and behavioral abnormalities. Last evaluated: 2022-08-12. Review status: criteria provided, single submitter. Criteria: ACMG Guidelines, 2015. Collection method: clinical testing. Allele origin: germline. Affected: yes. Observed: 1 variant allele.
Comment: ACMG criteria applied: PM2_SUP, PP3